The following is an entry in ClinVar:

NM_001348716.2(KDM6B):c.2477C>G (p.Ser826Cys)

Gene: KDM6B (lysine demethylase 6B; plus strand). Cytogenetic location: 17p13.1.
Variant type: single nucleotide variant.
Coding change: c.2477C>G on transcript NM_001348716.2 (MANE Select); coding-DNA position 2477, C replaced by G.
Protein change: p.Ser826Cys; replaces serine 826 with cysteine.
Molecular consequence: missense variant.
Genome position (GRCh38, 1-based): chr17:7,848,765, C>G. VCF-style: chr17-7848765-C-G. GRCh37 (hg19) VCF-style: chr17-7752083-C-G.
Other names: c.2477C>G, p.Ser826Cys (NM_001080424.2); short protein forms S826C.
Identifiers: ClinVar variation 2278616 (VCV002278616.28), dbSNP rs142934776, ClinGen allele CA8360915.
Genomic context (GRCh38, chr17:7,848,765, plus strand): 5'-CCTTGGCCTCCGTGCTGGAGGGACAAAAGTACTGTTATCGGGGGACTGGAGCAGCTGTTT[C>G]CACCCGGCCTGGGCCCTTGCCCACCACTCAGTATTCCCCTGGCCCCCCATCAGGTGCTAC-3'
Protein context (NP_001335645.1, residues 816-836): YCYRGTGAAV[Ser826Cys]TRPGPLPTTQ

ClinVar aggregate classification (germline): Conflicting classifications of pathogenicity. Review status: criteria provided, conflicting classifications (1 of 4 stars). 3 submissions from 3 submitters: Uncertain significance (1); Likely benign (2). Last evaluated 2026-09-01.

Conditions:
Inborn genetic diseases. Identifiers: MedGen C0950123, MeSH D030342.
Neurodevelopmental disorder with coarse facies and mild distal skeletal abnormalities. Also called: STOLERMAN NEURODEVELOPMENTAL SYNDROME. Identifiers: MedGen C5193134, MONDO:0032790, OMIM 618505.

Allele frequency attached by ClinVar (database versions not stated): ExAC 0.00005; ESP Exome Variant Server 0.00008.
gnomAD v4.1: 206 of 1,612,880 alleles (0.013%); highest among the groups gnomAD compares: Middle Eastern, 0.91%; 2 homozygotes.

Submissions (3):

CeGaT Center for Human Genetics Tuebingen
Classification: Likely benign. Last evaluated: 2026-09-01. Review status: criteria provided, single submitter. Criteria: CeGaT Center For Human Genetics Tuebingen Variant Classification Criteria Version 2. Collection method: clinical testing. Allele origin: germline. Affected: yes. Observed: 3 variant alleles.
Comment: KDM6B: PM5, BP4, BS1

Ambry Genetics
Classification: Likely benign for Inborn genetic diseases. Last evaluated: 2022-02-09. Review status: criteria provided, single submitter. Criteria: Ambry Variant Classification Scheme 2023. Collection method: clinical testing. Allele origin: germline.

Revvity Omics, Revvity
Classification: Uncertain significance for Neurodevelopmental disorder with coarse facies and mild distal skeletal abnormalities. Last evaluated: 2020-01-07. Review status: criteria provided, single submitter. Criteria: ACMG Guidelines, 2015. Collection method: clinical testing. Allele origin: germline.